The following is an entry in ClinVar:

NM_001353812.2(ATP11C):c.1431C>T (p.Asn477=)

Gene: ATP11C (ATPase phospholipid transporting 11C (ATP11C blood group); minus strand). Cytogenetic location: Xq27.1.
Variant type: single nucleotide variant.
Coding change: c.1431C>T on transcript NM_001353812.2 (MANE Select); coding-DNA position 1431, C replaced by T.
Protein change: p.Asn477=; no amino-acid change (asparagine 477 retained).
Molecular consequence: synonymous variant.
Genome position (GRCh38, 1-based): chrX:139,788,281, G>A on the plus strand (C>T on the coding strand, the complement: ATP11C is on the minus strand). VCF-style: chrX-139788281-G-A. GRCh37 (hg19) VCF-style: chrX-138870440-G-A.
Other names: c.1440C>T, p.Asn480= (NM_001010986.3, NM_173694.5); c.1431C>T, p.Asn477= (NM_001353810.2, NM_001353811.2); c.1440C>T (NM_173694.4).
Identifiers: ClinVar variation 747221 (VCV000747221.5), dbSNP rs200021805, ClinGen allele CA10530998.
Genomic context (GRCh38, chrX:139,788,281, plus strand): 5'-ATCTGGTGAAGAGGAGATATAGGTTAATTCAGCTGATTCTGTAGCTCCATCAACAGCATC[G>A]TTTGTTTTGATTTCTACAGTATGACATAAACACAAGGCACGTAGAAACAGCTCTTCTCGA-3'
Protein context (NP_001340741.2, residues 467-487): CLCHTVEIKT[Asn477=]DAVDGATESA

ClinVar aggregate classification (germline): Benign. Review status: criteria provided, single submitter (1 of 4 stars). 2 submissions from 2 submitters: Benign (1). 1 of the submissions does not count toward it. Last evaluated 2018-04-25.

Conditions:
ATP11C-related disorder. Also called: ATP11C-related condition.

Allele frequency attached by ClinVar (database versions not stated): gnomAD 0.00002 and 0.00003; TOPMed 0.00004; gnomAD exomes 0.00005 and 0.00018; ExAC 0.00018; 1000 Genomes Project 30x 0.00021; 1000 Genomes Project 0.00026.

Submissions (2):

Labcorp Genetics (formerly Invitae), Labcorp
Classification: Benign. Last evaluated: 2018-04-25. Review status: criteria provided, single submitter. Criteria: Invitae Variant Classification Sherloc (09022015). Collection method: clinical testing. Allele origin: germline.

PreventionGenetics, part of Exact Sciences
Classification: Likely benign for ATP11C-related condition. Last evaluated: 2019-08-14. Review status: no assertion criteria provided. Collection method: clinical testing. Allele origin: germline. Not counted in ClinVar's aggregate classification.
Comment: This variant is classified as likely benign based on ACMG/AMP sequence variant interpretation guidelines (Richards et al. 2015 PMID: 25741868, with internal and published modifications).